The following is an entry in ClinVar:

NM_001267727.2(ARSG):c.901+2T>C

Gene: ARSG (arylsulfatase G; plus strand). Cytogenetic location: 17q24.2.
Variant type: single nucleotide variant.
Coding change: c.901+2T>C on transcript NM_001267727.2 (MANE Select); the canonical splice donor site of the intron after coding-DNA position 901, T replaced by C.
Molecular consequence: splice donor variant.
Genome position (GRCh38, 1-based): chr17:68,368,746, T>C. VCF-style: chr17-68368746-T-C. GRCh37 (hg19) VCF-style: chr17-66364887-T-C.
Other names: c.898+2T>C (NM_001352904.2, NM_001352903.2, NM_001352905.2 and 2 more transcripts); c.901+2T>C (NM_014960.5, NM_001352910.2, NM_001352899.2 and 3 more transcripts); c.853+2T>C (NM_001352909.2).
Identifiers: ClinVar variation 1930351 (VCV001930351.5), dbSNP rs2510879184, ClinGen allele CA400746633.

ClinVar aggregate classification (germline): Likely pathogenic (1 of 4 stars; one submission).

Submission:

Labcorp Genetics (formerly Invitae), Labcorp
Classification: Likely pathogenic. Last evaluated: 2023-07-21. Review status: criteria provided, single submitter. Criteria: Invitae Variant Classification Sherloc (09022015). Collection method: clinical testing. Allele origin: germline.
Comment: ClinVar contains an entry for this variant (Variation ID: 1930351). In summary, the currently available evidence indicates that the variant is pathogenic, but additional data are needed to prove that conclusively. Therefore, this variant has been classified as Likely Pathogenic. Algorithms developed to predict the effect of sequence changes on RNA splicing suggest that this variant may disrupt the consensus splice site. This sequence change affects a donor splice site in intron 7 of the ARSG gene. It is expected to disrupt RNA splicing. Variants that disrupt the donor or acceptor splice site typically lead to a loss of protein function (PMID: 16199547), and loss-of-function variants in ARSG are known to be pathogenic (PMID: 26975023, 34223797). This variant has not been reported in the literature in individuals affected with ARSG-related conditions. This variant is not present in population databases (gnomAD no frequency).

Literature cited by the submitters: PubMed 16199547; PubMed 26975023; PubMed 34223797.